The following is an entry in ClinVar:

ClinVar aggregate classification (germline): Pathogenic/Likely pathogenic. Review status: criteria provided, multiple submitters, no conflicts (2 of 4 stars). 2 submissions from 2 submitters: Pathogenic (1); Likely pathogenic (1). Last evaluated 2023-10-13.

Conditions:
Neuronal ceroid lipofuscinosis. Also called: Neuronal Ceroid Lipofuscinoses. Identifiers: Orphanet 216, Orphanet 79263, MedGen C0027877, MONDO:0016295. Disease mechanism: loss of function.

Submissions (2):

Labcorp Genetics (formerly Invitae), Labcorp
Classification: Pathogenic. Last evaluated: 2023-10-13. Review status: criteria provided, single submitter. Criteria: Invitae Variant Classification Sherloc (09022015). Collection method: clinical testing. Allele origin: germline.
Comment: This sequence change creates a premature translational stop signal (p.Val466Glyfs*21) in the TPP1 gene. It is expected to result in an absent or disrupted protein product. Loss-of-function variants in TPP1 are known to be pathogenic (PMID: 10330339). Information on the frequency of this variant in the gnomAD database is not available, as this variant may be reported differently in the database. This variant has not been reported in the literature in individuals affected with TPP1-related conditions. For these reasons, this variant has been classified as Pathogenic.

Women's Health and Genetics/Laboratory Corporation of America, LabCorp
Classification: Likely pathogenic for Neuronal ceroid lipofuscinosis. Last evaluated: 2022-12-16. Review status: criteria provided, single submitter. Criteria: LabCorp Variant Classification Summary - May 2015. Collection method: clinical testing. Allele origin: germline.
Comment: Variant summary: TPP1 c.1397_1408delinsGACACCGA (p.Val466GlyfsX21) results in a premature termination codon, predicted to cause a truncation of the encoded protein or absence of the protein due to nonsense mediated decay, which are commonly known mechanisms for disease. Truncations downstream of this position have been classified as pathogenic by our laboratory and associated with Neuronal Ceroid-Lipofuscinosis in HGMD. The variant was absent in 282854 control chromosomes. To our knowledge, no occurrence of c.1397_1408delinsGACACCGA in individuals affected with Neuronal Ceroid-Lipofuscinosis (Batten Disease) and no experimental evidence demonstrating its impact on protein function have been reported. One clinical diagnostic laboratory has submitted clinical-significance assessment for this variant to ClinVar after 2014 and classified the variant as pathogenic. Based on the evidence outlined above, the variant was classified as likely pathogenic.

Literature cited by the submitters: PubMed 10330339 (cited by Labcorp Genetics (formerly Invitae), Labcorp).

NM_000391.4(TPP1):c.1397_1408delinsGACACCGA (p.Val466fs)

Gene: TPP1 (tripeptidyl peptidase 1; minus strand). Cytogenetic location: 11p15.4.
Variant type: Indel.
Coding change: c.1397_1408delinsGACACCGA on transcript NM_000391.4 (MANE Select); coding-DNA positions 1397 to 1408, TGCCCATTCCAT replaced by GACACCGA.
Protein change: p.Val466fs; shifts the reading frame from valine 466.
Molecular consequence: frameshift variant.
Genome position (GRCh38, 1-based): chr11:6,615,188-6,615,199, ATGGAATGGGCA replaced by TCGGTGTC on the plus strand (TGCCCATTCCAT replaced by GACACCGA on the coding strand, the reverse complement: TPP1 is on the minus strand). VCF-style: chr11-6615188-ATGGAATGGGCA-TCGGTGTC. GRCh37 (hg19) VCF-style: chr11-6636419-ATGGAATGGGCA-TCGGTGTC.
Other names: short protein forms V466fs.
Identifiers: ClinVar variation 967557 (VCV000967557.6), dbSNP rs1855559514, ClinGen allele CA1139661818.
Genomic context (GRCh38, chr11:6,615,188, plus strand): 5'-GGGTAGTTCCTGAGTGAGAGTTTGGAGATGGGCTGATTCTCACCGAGGTTCCGGACACCC[ATGGAATGGGCA>TCGGTGTC]CTCTGTTGCTGACCACCCAGTAGCCATCAGAAAGTGCAGCCACATCTGGGTAGGCACGGC-3'